The following is an entry in ClinVar:

ClinVar aggregate classification (germline): Pathogenic (1 of 4 stars; one submission).

Conditions:
Inborn genetic diseases. Identifiers: MedGen C0950123, MeSH D030342.

Submission:

Ambry Genetics
Classification: Pathogenic for Inborn genetic diseases. Last evaluated: 2026-05-26. Review status: criteria provided, single submitter. Criteria: Ambry Variant Classification Scheme 2023. Collection method: clinical testing. Allele origin: germline.
Comment: The c.1506_1509delACAA (p.Q503Afs*18) alteration, located in exon 12 (coding exon 12) of the PUF60 gene, consists of a deletion of 4 nucleotides from position 1506 to 1509, causing a translational frameshift with a predicted alternate stop codon after 18 amino acids. This variant is not expected to trigger nonsense-mediated mRNA decay and impacts the last 11% of the protein. However, premature stop codons are typically deleterious in nature, the impacted region is critical for protein function, and a significant portion of the protein is affected (Ambry internal data). This variant was not reported in population-based cohorts in the Genome Aggregation Database (gnomAD). Based on the available evidence, this alteration is classified as pathogenic.

NM_078480.3(PUF60):c.1506_1509del (p.Gln503fs)

Gene: PUF60 (poly(U) binding splicing factor 60; minus strand). Cytogenetic location: 8q24.3.
Variant type: Deletion.
Coding change: c.1506_1509del on transcript NM_078480.3 (MANE Select); coding-DNA positions 1506 to 1509, 4 bases deleted (ACAA; older notation c.1506_1509delACAA).
Protein change: p.Gln503fs; shifts the reading frame from glutamine 503.
Molecular consequence: frameshift variant.
Genome position (GRCh38, 1-based): chr8:143,816,691-143,816,694, TTGT deleted on the plus strand (ACAA on the coding strand, the reverse complement: PUF60 is on the minus strand); deleting any 4 consecutive bases within chr8:143,816,691-143,816,696 gives the same sequence; the c. name uses the placement nearest the transcript's 3' end. VCF-style (leftmost placement, unchanged base first): chr8-143816690-CTTGT-C. GRCh37 (hg19) VCF-style: chr8-144898860-CTTGT-C.
Other names: c.1377_1380del, p.Gln460fs (NM_001136033.3); c.1452_1455del, p.Gln485fs (NM_001271096.2); c.1368_1371del, p.Gln457fs (NM_001271097.2); c.1503_1506del, p.Gln502fs (NM_001271098.2); c.1419_1422del, p.Gln474fs (NM_001271099.2); c.1326_1329del, p.Gln443fs (NM_001271100.2); c.1617_1620del, p.Gln540fs (NM_001362895.2, NM_001362896.2); c.1566_1569del, p.Gln523fs (NM_001362897.2); and 1 more; short protein forms Q460fs, Q474fs, Q485fs, Q486fs, Q502fs, Q503fs, Q523fs, Q540fs.
Identifiers: ClinVar variation 4862795 (VCV004862795.1).